The following is an entry in ClinVar:

ClinVar aggregate classification (germline): Uncertain significance. Review status: criteria provided, multiple submitters, no conflicts (2 of 4 stars). 2 submissions from 2 submitters: Uncertain significance (2). Last evaluated 2026-03-04.

Conditions:
Hereditary cancer-predisposing syndrome. Also called: Tumor predisposition; Neoplastic Syndromes, Hereditary; Hereditary neoplastic syndrome; Hereditary Cancer Syndrome. Identifiers: Orphanet 140162, MedGen C0027672, MeSH D009386, MONDO:0015356.
Gastrointestinal stromal tumor. Also called: Gastrointestinal stromal tumor, somatic; Gastrointestinal stroma tumor. Identifiers: Orphanet 44890, MedGen C0238198, MeSH D046152, MONDO:0011719, OMIM 606764, HP:0100723.

Submissions (2):

Ambry Genetics
Classification: Uncertain significance for Hereditary cancer-predisposing syndrome. Last evaluated: 2026-03-04. Review status: criteria provided, single submitter. Criteria: Ambry Variant Classification Scheme 2023. Collection method: clinical testing. Allele origin: germline.
Comment: The p.A507S variant (also known as c.1519G>T), located in coding exon 9 of the KIT gene, results from a G to T substitution at nucleotide position 1519. The alanine at codon 507 is replaced by serine, an amino acid with similar properties. This amino acid position is conserved. In addition, the in silico prediction for this alteration is inconclusive. Based on the available evidence, the clinical significance of this variant remains unclear.

Labcorp Genetics (formerly Invitae), Labcorp
Classification: Uncertain significance for Gastrointestinal stromal tumor. Last evaluated: 2020-07-01. Review status: criteria provided, single submitter. Criteria: Invitae Variant Classification Sherloc (09022015). Collection method: clinical testing. Allele origin: germline.
Comment: In summary, the available evidence is currently insufficient to determine the role of this variant in disease. Therefore, it has been classified as a Variant of Uncertain Significance. Algorithms developed to predict the effect of missense changes on protein structure and function (SIFT, PolyPhen-2, Align-GVGD) all suggest that this variant is likely to be tolerated, but these predictions have not been confirmed by published functional studies and their clinical significance is uncertain. This variant has not been reported in the literature in individuals with KIT-related conditions. This variant is not present in population databases (ExAC no frequency). This sequence change replaces alanine with serine at codon 507 of the KIT protein (p.Ala507Ser). The alanine residue is highly conserved and there is a moderate physicochemical difference between alanine and serine.

NM_000222.3(KIT):c.1519G>T (p.Ala507Ser)

Gene: KIT (KIT proto-oncogene, receptor tyrosine kinase; plus strand). Cytogenetic location: 4q12.
Variant type: single nucleotide variant.
Coding change: c.1519G>T on transcript NM_000222.3 (MANE Select); coding-DNA position 1519, G replaced by T.
Protein change: p.Ala507Ser; replaces alanine 507 with serine.
Molecular consequence: missense variant.
Genome position (GRCh38, 1-based): chr4:54,726,029, G>T. VCF-style: chr4-54726029-G-T. GRCh37 (hg19) VCF-style: chr4-55592195-G-T.
Other names: c.1519G>T, p.Ala507Ser (NM_001093772.2, NM_001385285.1, NM_001385286.1); c.1522G>T, p.Ala508Ser (NM_001385284.1, NM_001385288.1, NM_001385290.1 and 1 more transcripts); c.1519G>T (NM_000222.2); short protein forms A507S, A508S.
Identifiers: ClinVar variation 1061730 (VCV001061730.10), dbSNP rs2109769739, ClinGen allele CA356906667.
Genomic context (GRCh38, chr4:54,726,029, plus strand): 5'-GGCACGGTTGAATGTAAGGCTTACAACGATGTGGGCAAGACTTCTGCCTATTTTAACTTT[G>T]CATTTAAAGGTAACAACAAAGGTATATTTCTTTTTAATCCAATTTAAGGGGATGTTTAGG-3'
Protein context (NP_000213.1, residues 497-517): VGKTSAYFNF[Ala507Ser]FKGNNKEQIH